The following is an entry in ClinVar:

NM_003126.4(SPTA1):c.-58CT[6]

Gene: SPTA1 (spectrin alpha, erythrocytic 1; minus strand). Cytogenetic location: 1q23.1.
Variant type: Microsatellite.
Coding change: c.-58CT[6] on transcript NM_003126.4 (MANE Select); six copies in a row of the 2-base unit CT starting at c.-58; the reference has nine copies in a row; three copies, 6 bases deleted.
Molecular consequence: 5 prime UTR variant.
Genome position (GRCh38, 1-based): chr1:158,686,558-158,686,563, AGAGAG deleted on the plus strand (CTCTCT on the coding strand, the reverse complement: SPTA1 is on the minus strand); deleting any 6 consecutive bases within chr1:158,686,558-158,686,576 gives the same sequence; the position shown is the placement nearest the transcript's 3' end. VCF-style (leftmost placement, unchanged base first): chr1-158686557-CAGAGAG-C. GRCh37 (hg19) VCF-style: chr1-158656347-CAGAGAG-C.
Other names: p.?; c.-46_-41del (NM_003126.4).
Identifiers: ClinVar variation 2436375 (VCV002436375.4), dbSNP rs111674514, ClinGen allele CA889967648.

ClinVar aggregate classification (germline): Uncertain significance. Review status: criteria provided, multiple submitters, no conflicts (2 of 4 stars). 2 submissions from 2 submitters: Uncertain significance (2). Last evaluated 2025-01-22.

Submissions (2):

Mayo Clinic Laboratories, Mayo Clinic
Classification: Uncertain significance. Last evaluated: 2025-01-22. Review status: criteria provided, single submitter. Criteria: ACMG Guidelines, 2015. Collection method: clinical testing. Allele origin: germline. Observed: 1 variant allele.
Comment: PM2_supporting

Revvity Omics, Revvity
Classification: Uncertain significance. Last evaluated: 2022-02-16. Review status: criteria provided, single submitter. Criteria: ACMG Guidelines, 2015. Collection method: clinical testing. Allele origin: germline.